The following is an entry in ClinVar:

ClinVar aggregate classification (germline): Uncertain significance (1 of 4 stars; one submission).

Submission:

GeneDx
Classification: Uncertain significance. Last evaluated: 2024-09-16. Review status: criteria provided, single submitter. Criteria: GeneDx Variant Classification Process June 2021. Collection method: clinical testing. Allele origin: germline. Affected: yes.
Comment: Not observed at significant frequency in large population cohorts (gnomAD); In-frame duplication of 1 amino acid in a non-repeat region; Has not been previously published as pathogenic or benign to our knowledge

NM_057175.5(NAA15):c.1980_1982dup (p.Phe660_Leu661insPhe)

Gene: NAA15 (N-alpha-acetyltransferase 15, NatA auxiliary subunit; plus strand). Cytogenetic location: 4q31.1.
Variant type: Duplication.
Coding change: c.1980_1982dup on transcript NM_057175.5 (MANE Select); coding-DNA positions 1980 to 1982, 3 bases duplicated (TTT; older notation c.1980_1982dupTTT).
Protein change: p.Phe660_Leu661insPhe.
Genome position (GRCh38, 1-based): chr4:139,376,397-139,376,399, TTT duplicated; duplicating any 3 consecutive bases within chr4:139,376,395-139,376,399 gives the same sequence; the c. name uses the placement nearest the transcript's 3' end. VCF-style (leftmost placement, unchanged base first): chr4-139376394-A-ATTT. GRCh37 (hg19) VCF-style: chr4-140297548-A-ATTT.
Other names: c.1980_1982dup, p.Phe660_Leu661insPhe (NM_001410842.1).
Identifiers: ClinVar variation 3770088 (VCV003770088.1).
Genomic context (GRCh38, chr4:139,376,394, plus strand): 5'-TCATTTGTATAATATCTTTTATTTTTGTTAGGTTGAAACTCCATTGGAAGAAGCTATTAA[A>ATTT]TTTTTAACACCGTTGAAGAACTTGGTGAAGAACAAGATAGAGACTCATCTTTTTGCCTTT-3'